The following is an entry in ClinVar:

ClinVar aggregate classification (germline): Conflicting classifications of pathogenicity. Review status: criteria provided, conflicting classifications (1 of 4 stars). 7 submissions from 7 submitters: Uncertain significance (1); Benign (2); Likely benign (3). 1 of the submissions does not count toward it. Last evaluated 2026-01-24.

Conditions:
PRICKLE1-related disorder. Also called: PRICKLE1-related condition; PRICKLE1-Related Disorders. Identifiers: MedGen CN381536.
Epilepsy, progressive myoclonic, 1B. Also called: PME. Identifiers: Orphanet 308, MedGen C2676254, MONDO:0012904, OMIM 612437.

Allele frequency attached by ClinVar (database versions not stated): gnomAD exomes 0.00014; ExAC 0.00054; ESP Exome Variant Server 0.00108; TOPMed 0.00112; gnomAD 0.00118 and 0.00121; 1000 Genomes Project 30x 0.00187; 1000 Genomes Project 0.00200.
gnomAD v4.1: 392 of 1,613,854 alleles (0.024%); highest among the groups gnomAD compares: African/African-American, 0.41%; no homozygotes.

Submissions (7):

Labcorp Genetics (formerly Invitae), Labcorp
Classification: Benign for Epilepsy, progressive myoclonic, 1B. Last evaluated: 2026-01-24. Review status: criteria provided, single submitter. Criteria: Invitae Variant Classification Sherloc (09022015). Collection method: clinical testing. Allele origin: germline.

Blueprint Genetics
Classification: Likely benign. Last evaluated: 2024-11-25. Review status: criteria provided, single submitter. Criteria: ACMG Guidelines, 2015. Collection method: clinical testing. Allele origin: germline.

CeGaT Center for Human Genetics Tuebingen
Classification: Likely benign. Last evaluated: 2024-01-01. Review status: criteria provided, single submitter. Criteria: CeGaT Center For Human Genetics Tuebingen Variant Classification Criteria Version 2. Collection method: clinical testing. Allele origin: germline. Affected: yes. Observed: 2 variant alleles.
Comment: PRICKLE1: BP4, BP7

Ambry Genetics
Classification: Likely benign. Last evaluated: 2017-09-18. Review status: criteria provided, single submitter. Criteria: Ambry Variant Classification Scheme 2023. Collection method: clinical testing. Allele origin: germline.

Eurofins Ntd Llc (ga)
Classification: Uncertain significance. Last evaluated: 2014-07-04. Review status: criteria provided, single submitter. Criteria: EGL Classification Definitions 2015. Collection method: clinical testing. Allele origin: germline. Observed: 2 variant alleles, 2 heterozygotes.

GeneDx
Classification: Benign. Last evaluated: 2013-01-07. Review status: criteria provided, single submitter. Criteria: GeneDx Variant Classification (06012015). Collection method: clinical testing. Allele origin: germline. Affected: yes.
Comment: This variant is considered likely benign or benign based on one or more of the following criteria: it is a conservative change, it occurs at a poorly conserved position in the protein, it is predicted to be benign by multiple in silico algorithms, and/or has population frequency not consistent with disease.

PreventionGenetics, part of Exact Sciences
Classification: Likely benign for PRICKLE1-related condition. Last evaluated: 2019-10-24. Review status: no assertion criteria provided. Collection method: clinical testing. Allele origin: germline. Not counted in ClinVar's aggregate classification.
Comment: This variant is classified as likely benign based on ACMG/AMP sequence variant interpretation guidelines (Richards et al. 2015 PMID: 25741868, with internal and published modifications).

NM_153026.3(PRICKLE1):c.1461C>T (p.Ser487=)

Gene: PRICKLE1 (prickle planar cell polarity protein 1; minus strand). Cytogenetic location: 12q12.
Variant type: single nucleotide variant.
Coding change: c.1461C>T on transcript NM_153026.3 (MANE Select); coding-DNA position 1461, C replaced by T.
Protein change: p.Ser487=; no amino-acid change (serine 487 retained).
Molecular consequence: synonymous variant.
Genome position (GRCh38, 1-based): chr12:42,464,573, G>A on the plus strand (C>T on the coding strand, the complement: PRICKLE1 is on the minus strand). VCF-style: chr12-42464573-G-A. GRCh37 (hg19) VCF-style: chr12-42858375-G-A.
Other names: p.S487S:AGC>AGT; c.1461C>T, p.Ser487= (NM_001144881.2, NM_001144882.2, NM_001144883.2).
Identifiers: ClinVar variation 138808 (VCV000138808.51), dbSNP rs116197349, ClinGen allele CA232569.
Genomic context (GRCh38, chr12:42,464,573, plus strand): 5'-TGAAGCCCCATGGTCCAGTTCCAATTCCTGAAGCCTTCTACTGCTTGCAGGGCCTGGGTG[G>A]CTGCCATAAGCAGAATCGCCCAGTCCATCTTGTGACTGTGCCCAGTACATATCAGACTGG-3'
Protein context (NP_694571.2, residues 477-497): QDGLGDSAYG[Ser487=]HPGPASSRRL